The following is an entry in ClinVar:

NM_000666.3(ACY1):c.1051T>G (p.Tyr351Asp)

Genes: ABHD14A-ACY1 (ABHD14A-ACY1 readthrough; plus strand), ACY1 (aminoacylase 1; plus strand). Cytogenetic location: 3p21.2.
Variant type: single nucleotide variant.
Coding change: c.1051T>G on transcript NM_000666.3 (MANE Select); coding-DNA position 1051, T replaced by G.
Protein change: p.Tyr351Asp; replaces tyrosine 351 with aspartic acid.
Molecular consequence: missense variant.
Genome position (GRCh38, 1-based): chr3:51,988,815, T>G. VCF-style: chr3-51988815-T-G. GRCh37 (hg19) VCF-style: chr3-52022831-T-G.
Other names: c.1321T>G, p.Tyr441Asp (NM_001316331.2); c.1051T>G, p.Tyr351Asp (NM_001198895.2); c.835T>G, p.Tyr279Asp (NM_001198896.2); c.856T>G, p.Tyr286Asp (NM_001198897.2); c.946T>G, p.Tyr316Asp (NM_001198898.2); short protein forms Y351D, Y279D, Y286D, Y441D, Y316D.
Identifiers: ClinVar variation 1420377 (VCV001420377.6), dbSNP rs2106843854, ClinGen allele CA353094067.

ClinVar aggregate classification (germline): Uncertain significance (1 of 4 stars; one submission).

Submission:

Labcorp Genetics (formerly Invitae), Labcorp
Classification: Uncertain significance. Last evaluated: 2023-06-29. Review status: criteria provided, single submitter. Criteria: Invitae Variant Classification Sherloc (09022015). Collection method: clinical testing. Allele origin: germline.
Comment: In summary, the available evidence is currently insufficient to determine the role of this variant in disease. Therefore, it has been classified as a Variant of Uncertain Significance. Advanced modeling of protein sequence and biophysical properties (such as structural, functional, and spatial information, amino acid conservation, physicochemical variation, residue mobility, and thermodynamic stability) performed at Invitae indicates that this missense variant is not expected to disrupt ACY1 protein function. ClinVar contains an entry for this variant (Variation ID: 1420377). This variant has not been reported in the literature in individuals affected with ACY1-related conditions. This variant is not present in population databases (gnomAD no frequency). This sequence change replaces tyrosine, which is neutral and polar, with aspartic acid, which is acidic and polar, at codon 351 of the ACY1 protein (p.Tyr351Asp).